The following is an entry in ClinVar:

NM_014423.4(AFF4):c.3343C>G (p.Gln1115Glu)

Gene: AFF4 (ALF transcription elongation factor 4; minus strand). Cytogenetic location: 5q31.1.
Variant type: single nucleotide variant.
Coding change: c.3343C>G on transcript NM_014423.4 (MANE Select); coding-DNA position 3343, C replaced by G.
Protein change: p.Gln1115Glu; replaces glutamine 1115 with glutamic acid.
Molecular consequence: missense variant.
Genome position (GRCh38, 1-based): chr5:132,883,361, G>C on the plus strand (C>G on the coding strand, the complement: AFF4 is on the minus strand). VCF-style: chr5-132883361-G-C. GRCh37 (hg19) VCF-style: chr5-132219053-G-C.
Other names: short protein forms Q1115E.
Identifiers: ClinVar variation 2655700 (VCV002655700.24), dbSNP rs1332078071, ClinGen allele CA360966812.
Genomic context (GRCh38, chr5:132,883,361, plus strand): 5'-CAATTCCATCCCTTGAAGTTTATCCAGAAACCTACCTACCTTTTTGCTCTTTGGAAAGCT[G>C]TTCAGCTTGGTCCCAAATTTCGGTGGCATAGAGGAAGTTGGATGTGACCTGAACATAGCT-3'
Protein context (NP_055238.1, residues 1105-1125): YATEIWDQAE[Gln1115Glu]LSKEQKEFFA

ClinVar aggregate classification (germline): Uncertain significance (1 of 4 stars; one submission).

Submission:

CeGaT Center for Human Genetics Tuebingen
Classification: Uncertain significance. Last evaluated: 2022-08-01. Review status: criteria provided, single submitter. Criteria: CeGaT Center For Human Genetics Tuebingen Variant Classification Criteria Version 2. Collection method: clinical testing. Allele origin: germline. Affected: yes. Observed: 1 variant allele.
Comment: AFF4: PM2